The following is an entry in ClinVar:

ClinVar aggregate classification (germline): Conflicting classifications of pathogenicity. Review status: criteria provided, conflicting classifications (1 of 4 stars). 5 submissions from 5 submitters: Uncertain significance (3); Likely benign (1). 1 of the submissions does not count toward it. Last evaluated 2024-11-15.

Conditions:
BRCA2-related cancer predisposition. Identifiers: MedGen CN377758, MONDO:0700269.
Hereditary breast ovarian cancer syndrome. Also called: Hereditary breast and ovarian cancer; Hereditary breast and ovarian cancer syndrome (HBOC); Hereditary breast and ovarian cancer syndrome; BRCA1- and BRCA2-Associated Hereditary Breast and Ovarian Cancer; Breast and ovarian cancer; Hereditary breast and/or ovarian cancer syndrome. Identifiers: Orphanet 145, MedGen C0677776, MeSH D061325, MONDO:0003582. Disease mechanism: loss of function.
Hereditary cancer-predisposing syndrome. Also called: Tumor predisposition; Neoplastic Syndromes, Hereditary; Hereditary neoplastic syndrome; Hereditary Cancer Syndrome. Identifiers: Orphanet 140162, MedGen C0027672, MeSH D009386, MONDO:0015356.
Breast-ovarian cancer, familial, susceptibility to, 2 (BROVCA2). Also called: BRCA2 Hereditary Breast and Ovarian Cancer. Identifiers: Orphanet 145, MedGen C2675520, MONDO:0012933, OMIM 612555. Disease mechanism: loss of function.

Submissions (5):

Labcorp Genetics (formerly Invitae), Labcorp
Classification: Uncertain significance for Hereditary breast ovarian cancer syndrome. Last evaluated: 2024-11-15. Review status: criteria provided, single submitter. Criteria: Invitae Variant Classification Sherloc (09022015). Collection method: clinical testing. Allele origin: germline.
Comment: This sequence change replaces threonine, which is neutral and polar, with alanine, which is neutral and non-polar, at codon 1679 of the BRCA2 protein (p.Thr1679Ala). This variant is not present in population databases (gnomAD no frequency). This variant has not been reported in the literature in individuals affected with BRCA2-related conditions. ClinVar contains an entry for this variant (Variation ID: 156491). Invitae Evidence Modeling of protein sequence and biophysical properties (such as structural, functional, and spatial information, amino acid conservation, physicochemical variation, residue mobility, and thermodynamic stability) indicates that this missense variant is not expected to disrupt BRCA2 protein function with a negative predictive value of 95%. In summary, the available evidence is currently insufficient to determine the role of this variant in disease. Therefore, it has been classified as a Variant of Uncertain Significance.

Ambry Genetics
Classification: Uncertain significance for Hereditary cancer-predisposing syndrome. Last evaluated: 2024-08-17. Review status: criteria provided, single submitter. Criteria: Ambry Variant Classification Scheme 2023. Collection method: clinical testing. Allele origin: germline.
Comment: The p.T1679A variant (also known as c.5035A>G), located in coding exon 10 of the BRCA2 gene, results from an A to G substitution at nucleotide position 5035. The threonine at codon 1679 is replaced by alanine, an amino acid with similar properties. This amino acid position is poorly conserved in available vertebrate species. In addition, this alteration is predicted to be tolerated by in silico analysis. Since supporting evidence is limited at this time, the clinical significance of this alteration remains unclear.

All of Us Research Program, National Institutes of Health
Classification: Uncertain significance for BRCA2-related cancer predisposition. Last evaluated: 2024-05-30. Review status: criteria provided, single submitter. Criteria: ACMG Guidelines, 2015. Collection method: clinical testing. Allele origin: germline. Inheritance: Autosomal dominant inheritance. Observed: 1 variant allele, 1 heterozygote.
Comment: This missense variant replaces threonine with alanine at codon 1679 of the BRCA2 protein. Computational prediction suggests that this variant may not impact protein structure and function (internally defined REVEL score threshold <= 0.5, PMID: 27666373). To our knowledge, functional studies have not been reported for this variant. This variant has not been reported in individuals affected with BRCA2-related disorders in the literature. This variant has not been identified in the general population by the Genome Aggregation Database (gnomAD). The available evidence is insufficient to determine the role of this variant in disease conclusively. Therefore, this variant is classified as a Variant of Uncertain Significance.

This study involves interpretation of variants in research participants for the purpose of population health screening. Participant phenotype was not available at the time of variant classification. Additional details can be found in publication PMID: 35346344, PMCID: PMC8962531

University of Washington Department of Laboratory Medicine, University of Washington
Classification: Likely benign for Hereditary cancer-predisposing syndrome. Last evaluated: 2023-03-23. Review status: criteria provided, single submitter. Criteria: Dines et al. (Genet Med. 2020). Collection method: curation. Allele origin: germline.
Comment: Missense variant in a coldspot region where missense variants are very unlikely to be pathogenic (PMID:31911673).

BRCA2 exon 11 coldspot. Reclassification based on statistical prior probability.

Pathway Genomics
Classification: Uncertain significance for Breast-ovarian cancer, familial 2. Last evaluated: 2014-07-24. Review status: no assertion criteria provided. Collection method: clinical testing. Allele origin: germline. Not counted in ClinVar's aggregate classification.

NM_000059.4(BRCA2):c.5035A>G (p.Thr1679Ala)

Gene: BRCA2 (BRCA2 DNA repair associated; plus strand). Cytogenetic location: 13q13.1.
Variant type: single nucleotide variant.
Coding change: c.5035A>G on transcript NM_000059.4 (MANE Select); coding-DNA position 5035, A replaced by G.
Protein change: p.Thr1679Ala; replaces threonine 1679 with alanine.
Molecular consequence: missense variant.
Genome position (GRCh38, 1-based): chr13:32,339,390, A>G. VCF-style: chr13-32339390-A-G. GRCh37 (hg19) VCF-style: chr13-32913527-A-G.
Other names: short protein forms T1679A.
Identifiers: ClinVar variation 156491 (VCV000156491.16), dbSNP rs80358728, ClinGen allele CA021163.